The following is an entry in ClinVar:

NM_001393769.1(MED12L):c.2658A>G (p.Ile886Met)

Genes: MED12L (mediator complex subunit 12L; plus strand), P2RY12 (purinergic receptor P2Y12; minus strand). Cytogenetic location: 3q25.1.
Variant type: single nucleotide variant.
Coding change: c.2658A>G on transcript NM_001393769.1 (MANE Select); coding-DNA position 2658, A replaced by G.
Protein change: p.Ile886Met; replaces isoleucine 886 with methionine.
Molecular consequence: missense variant. On other transcripts: intron variant (1).
Genome position (GRCh38, 1-based): chr3:151,356,036, A>G. VCF-style: chr3-151356036-A-G. GRCh37 (hg19) VCF-style: chr3-151073824-A-G.
Other names: c.2553A>G, p.Ile851Met (NM_053002.6); c.-179-15276T>C (NM_022788.5); short protein forms I886M, I851M.
Identifiers: ClinVar variation 2603705 (VCV002603705.2), dbSNP rs2473553756, ClinGen allele CA354964976.
Genomic context (GRCh38, chr3:151,356,036, plus strand): 5'-GCTCATCTTTGATCTCATGGAGCCAGCACTGAACATCAACGGACTAATTGACTTCGCAAT[A>G]CAGGTGTCAAAGAGACCATGTTTCTCTTACTTTTAGGAAAGCAAATCCACCAGGCATTGT-3'
Protein context (NP_001380698.1, residues 876-896): LNINGLIDFA[Ile886Met]QLLNELSVVE

ClinVar aggregate classification (germline): Uncertain significance (1 of 4 stars; one submission).

Conditions:
Inborn genetic diseases. Identifiers: MedGen C0950123, MeSH D030342.

Submission:

Ambry Genetics
Classification: Uncertain significance for Inborn genetic diseases. Last evaluated: 2023-06-16. Review status: criteria provided, single submitter. Criteria: Ambry Variant Classification Scheme 2023. Collection method: clinical testing. Allele origin: germline.
Comment: The c.2553A>G (p.I851M) alteration is located in exon 17 (coding exon 17) of the MED12L gene. This alteration results from a A to G substitution at nucleotide position 2553, causing the isoleucine (I) at amino acid position 851 to be replaced by a methionine (M). This variant was not reported in population-based cohorts in the Genome Aggregation Database (gnomAD). This amino acid position is well conserved in available vertebrate species. This alteration is predicted to be tolerated by in silico analysis. Based on insufficient or conflicting evidence, the clinical significance of this alteration remains unclear.